The following is an entry in ClinVar:

NM_000038.6(APC):c.4778_4780delinsGG (p.Lys1593fs)

Gene: APC (APC regulator of Wnt signaling pathway; plus strand). Cytogenetic location: 5q22.2.
Variant type: Indel.
Coding change: c.4778_4780delinsGG on transcript NM_000038.6 (MANE Select); coding-DNA positions 4778 to 4780, AGC replaced by GG.
Protein change: p.Lys1593fs; shifts the reading frame from lysine 1593.
Molecular consequence: frameshift variant. On other transcripts: non-coding transcript variant (2).
Genome position (GRCh38, 1-based): chr5:112,840,372-112,840,374, AGC replaced by GG. VCF-style: chr5-112840372-AGC-GG. GRCh37 (hg19) VCF-style: chr5-112176069-AGC-GG.
Other names: c.4832_4834delinsGG, p.Lys1611fs (NM_001407449.1, NM_001354896.2, NM_001407447.1 and 1 more transcripts); c.4778_4780delinsGG, p.Lys1593fs (NM_001407450.1, NM_001127510.3, NM_001354895.2); c.4757_4759delinsGG, p.Lys1586fs (NM_001407451.1); c.4601_4603delinsGG, p.Lys1534fs (NM_001407453.1, NM_001354901.2); c.4529_4531delinsGG, p.Lys1510fs (NM_001407454.1, NM_001407455.1, NM_001407456.1 and 1 more transcripts); c.4748_4750delinsGG, p.Lys1583fs (NM_001407452.1); c.4724_4726delinsGG, p.Lys1575fs (NM_001127511.3); c.4808_4810delinsGG, p.Lys1603fs (NM_001354897.2); and 11 more; short protein forms K1209fs, K1310fs, K1433fs, K1464fs, K1467fs, K1492fs, K1502fs, K1510fs.
Identifiers: ClinVar variation 2583894 (VCV002583894.1), dbSNP rs2533599292, ClinGen allele CA2582341372.
Genomic context (GRCh38, chr5:112,840,372, plus strand): 5'-AAATACTAGAAGAATGTATTATTTCTGCCATGCCAACAAAGTCATCACGTAAAGCAAAAA[AGC>GG]CAGCCCAGACTGCTTCAAAATTACCTCCACCTGTGGCAAGGAAACCAAGTCAGCTGCCTG-3'

ClinVar aggregate classification (germline): Pathogenic (1 of 4 stars; one submission).

Conditions:
Familial adenomatous polyposis 1 (FAP1). Also called: FAMILIAL ADENOMATOUS POLYPOSIS 1, ATTENUATED; POLYPOSIS, ADENOMATOUS INTESTINAL. Identifiers: MedGen C2713442, MONDO:0021056, OMIM 175100. Disease mechanism: loss of function.

Submission:

Myriad Genetics, Inc.
Classification: Pathogenic for Familial adenomatous polyposis 1. Last evaluated: 2023-05-11. Review status: criteria provided, single submitter. Criteria: Myriad Autosomal Dominant, Autosomal Recessive and X-Linked Classification Criteria (2023). Collection method: clinical testing. Allele origin: unknown.
Comment: This variant is considered pathogenic. This variant creates a frameshift predicted to result in premature protein truncation.